The following is an entry in ClinVar:

NM_015466.4(PTPN23):c.2701C>A (p.Pro901Thr)

Gene: PTPN23 (protein tyrosine phosphatase non-receptor type 23; plus strand). Cytogenetic location: 3p21.31.
Variant type: single nucleotide variant.
Coding change: c.2701C>A on transcript NM_015466.4 (MANE Select); coding-DNA position 2701, C replaced by A.
Protein change: p.Pro901Thr; replaces proline 901 with threonine.
Molecular consequence: missense variant.
Genome position (GRCh38, 1-based): chr3:47,410,499, C>A. VCF-style: chr3-47410499-C-A. GRCh37 (hg19) VCF-style: chr3-47451989-C-A.
Other names: c.2323C>A, p.Pro775Thr (NM_001304482.2); c.2701C>A (NM_015466.2); short protein forms P901T, P775T.
Identifiers: ClinVar variation 1474049 (VCV001474049.8), dbSNP rs750754516, ClinGen allele CA2366106.
Genomic context (GRCh38, chr3:47,410,499, plus strand): 5'-ACCACCACAGTAGATAGCATCCAGGCGCCCATCCCCAGCCACACAGCCCCACGGCCAAAC[C>A]CCACCCCTGCTCCTCCCCCGCCCTGCTTCCCTGTGCCCCCACCGCAGCCACTGCCCACGC-3'
Protein context (NP_056281.1, residues 891-911): IPSHTAPRPN[Pro901Thr]TPAPPPPCFP

ClinVar aggregate classification (germline): Uncertain significance. Review status: criteria provided, multiple submitters, no conflicts (2 of 4 stars). 2 submissions from 2 submitters: Uncertain significance (2). Last evaluated 2024-10-25.

Conditions:
Inborn genetic diseases. Identifiers: MedGen C0950123, MeSH D030342.

Allele frequency attached by ClinVar (database versions not stated): ExAC 0.00003.

Submissions (2):

Labcorp Genetics (formerly Invitae), Labcorp
Classification: Uncertain significance. Last evaluated: 2024-10-25. Review status: criteria provided, single submitter. Criteria: Invitae Variant Classification Sherloc (09022015). Collection method: clinical testing. Allele origin: germline.
Comment: This sequence change replaces proline, which is neutral and non-polar, with threonine, which is neutral and polar, at codon 901 of the PTPN23 protein (p.Pro901Thr). The frequency data for this variant in the population databases is considered unreliable, as metrics indicate poor data quality at this position in the gnomAD database. This variant has not been reported in the literature in individuals affected with PTPN23-related conditions. ClinVar contains an entry for this variant (Variation ID: 1474049). Experimental studies and prediction algorithms are not available or were not evaluated, and the functional significance of this variant is currently unknown. In summary, the available evidence is currently insufficient to determine the role of this variant in disease. Therefore, it has been classified as a Variant of Uncertain Significance.

Ambry Genetics
Classification: Uncertain significance for Inborn genetic diseases. Last evaluated: 2022-12-02. Review status: criteria provided, single submitter. Criteria: Ambry Variant Classification Scheme 2023. Collection method: clinical testing. Allele origin: germline.